The following is an entry in ClinVar:

ClinVar aggregate classification (germline): Benign. Review status: reviewed by expert panel (3 of 4 stars). 6 submissions from 6 submitters: Benign (1). 5 of the submissions do not count toward it. Last evaluated 2015-01-12.

Conditions:
Breast-ovarian cancer, familial, susceptibility to, 1 (BROVCA1). Also called: OVARIAN CANCER, SUSCEPTIBILITY TO; BRCA1 Hereditary Breast and Ovarian Cancer. Identifiers: Orphanet 145, MedGen C2676676, MONDO:0011450, OMIM 604370. Disease mechanism: loss of function.

Allele frequency attached by ClinVar (database versions not stated): 1000 Genomes Project 0.00419; 1000 Genomes Project 30x 0.00422; ExAC 0.00500; TOPMed 0.00953; gnomAD exomes 0.00960 and 0.01054; gnomAD 0.00979 and 0.01007.
gnomAD v4.1: 5,085 of 496,390 alleles (1%); highest among the groups gnomAD compares: Non-Finnish European, 1.6%; 48 homozygotes.

Submissions (6):

Evidence-based Network for the Interpretation of Germline Mutant Alleles (ENIGMA)
Classification: Benign for Breast-ovarian cancer, familial 1. Last evaluated: 2015-01-12. Review status: reviewed by expert panel. Criteria: ENIGMA BRCA1/2 Classification Criteria (2015). Collection method: curation. Allele origin: germline.
Comment: Class 1 not pathogenic based on frequency >1% in an outbred sampleset. Frequency 0.01187 (European), derived from 1000 genomes (2012-04-30).

CeGaT Center for Human Genetics Tuebingen
Classification: Benign. Last evaluated: 2026-09-01. Review status: criteria provided, single submitter. Criteria: CeGaT Center For Human Genetics Tuebingen Variant Classification Criteria Version 2. Collection method: clinical testing. Allele origin: germline. Affected: yes. Observed: 51 variant alleles. Not counted in ClinVar's aggregate classification.
Comment: BRCA1: BS1, BS2

Blueprint Genetics
Classification: Likely benign. Last evaluated: 2024-11-26. Review status: criteria provided, single submitter. Criteria: ACMG Guidelines, 2015. Collection method: clinical testing. Allele origin: germline. Not counted in ClinVar's aggregate classification.

GeneDx
Classification: Likely benign. Last evaluated: 2019-06-14. Review status: criteria provided, single submitter. Criteria: GeneDx Variant Classification Process June 2021. Collection method: clinical testing. Allele origin: germline. Affected: yes. Not counted in ClinVar's aggregate classification.

Illumina Laboratory Services, Illumina
Classification: Likely benign for Breast-ovarian cancer, familial, susceptibility to, 1. Last evaluated: 2018-01-12. Review status: criteria provided, single submitter. Criteria: ICSL Variant Classification Criteria 13 December 2019. Collection method: clinical testing. Allele origin: germline. Not counted in ClinVar's aggregate classification.
Comment: This variant was observed in the ICSL laboratory as part of a predisposition screen in an ostensibly healthy population. It had not been previously curated by ICSL or reported in the Human Gene Mutation Database (HGMD: prior to June 1st, 2018), and was therefore a candidate for classification through an automated scoring system. Utilizing variant allele frequency, disease prevalence and penetrance estimates, and inheritance mode, an automated score was calculated to assess if this variant is too frequent to cause the disease. Based on the score and internal cut-off values, a variant classified as likely benign is not then subjected to further curation. The score for this variant resulted in a classification of likely benign for this disease.

Genetic Services Laboratory, University of Chicago
Classification: Benign. Last evaluated: 2017-11-01. Review status: criteria provided, single submitter. Criteria: ACMG Guidelines, 2015. Collection method: clinical testing. Allele origin: germline. Affected: no. Not counted in ClinVar's aggregate classification.

NM_007294.4(BRCA1):c.*1332G>A

Gene: BRCA1 (BRCA1 DNA repair associated; minus strand). Cytogenetic location: 17q21.31.
Variant type: single nucleotide variant.
Coding change: c.*1332G>A on transcript NM_007294.4 (MANE Select); 1332 bases downstream of the stop codon, G replaced by A.
Molecular consequence: 3 prime UTR variant. On other transcripts: non-coding transcript variant (1).
Genome position (GRCh38, 1-based): chr17:43,044,346, C>T on the plus strand (G>A on the coding strand, the complement: BRCA1 is on the minus strand). VCF-style: chr17-43044346-C-T. GRCh37 (hg19) VCF-style: chr17-41196363-C-T.
Other names: 7043 G>A; c.*1332G>A (NM_001408458.1, NM_001408459.1, NM_001408460.1 and 348 more transcripts); c.*1438G>A (NM_001408472.1, NM_001408473.1, NM_007299.4 and 14 more transcripts).
Identifiers: ClinVar variation 209232 (VCV000209232.19), dbSNP rs8176320, ClinGen allele CA052940.